The following is an entry in ClinVar:

NM_001308093.3(GATA4):c.32A>C (p.His11Pro)

Gene: GATA4 (GATA binding protein 4). Cytogenetic location: 8p23.1.
Variant type: single nucleotide variant.
Coding change: c.32A>C on transcript NM_001308093.3 (MANE Select); coding-DNA position 32, A replaced by C.
Protein change: p.His11Pro; replaces histidine 11 with proline.
Molecular consequence: missense variant. On other transcripts: intron variant (3).
Genome position (GRCh38, 1-based): chr8:11,708,344, A>C. VCF-style: chr8-11708344-A-C. GRCh37 (hg19) VCF-style: chr8-11565853-A-C.
Other names: c.32A>C (NM_002052.3); c.32A>C, p.His11Pro (NM_002052.5); c.-6+7566A>C (NM_001308094.2); c.-3+330A>C (NM_001374274.1); c.-3+4040A>C (NM_001374273.1); short protein forms H11P.
Identifiers: ClinVar variation 2083586 (VCV002083586.5), dbSNP rs1585594672, ClinGen allele CA370308538.

ClinVar aggregate classification (germline): Uncertain significance. Review status: criteria provided, multiple submitters, no conflicts (2 of 4 stars). 2 submissions from 2 submitters: Uncertain significance (2). Last evaluated 2023-12-29.

Conditions:
Atrioventricular septal defect 4 (AVSD4). Identifiers: MedGen C3280781, MONDO:0013747, OMIM 614430.

gnomAD v4.1: 10 of 1,582,018 alleles (0.00063%); highest among the groups gnomAD compares: African/African-American, 0.0027%; no homozygotes.

Submissions (2):

GeneDx
Classification: Uncertain significance. Last evaluated: 2023-12-29. Review status: criteria provided, single submitter. Criteria: GeneDx Variant Classification Process June 2021. Collection method: clinical testing. Allele origin: germline. Affected: yes.
Comment: Not observed at significant frequency in large population cohorts (gnomAD); In silico analysis supports that this missense variant has a deleterious effect on protein structure/function; Has not been previously published as pathogenic or benign to our knowledge

Labcorp Genetics (formerly Invitae), Labcorp
Classification: Uncertain significance for Atrioventricular septal defect 4. Last evaluated: 2022-07-21. Review status: criteria provided, single submitter. Criteria: Invitae Variant Classification Sherloc (09022015). Collection method: clinical testing. Allele origin: germline.
Comment: In summary, the available evidence is currently insufficient to determine the role of this variant in disease. Therefore, it has been classified as a Variant of Uncertain Significance. Algorithms developed to predict the effect of missense changes on protein structure and function are either unavailable or do not agree on the potential impact of this missense change (SIFT: "Tolerated"; PolyPhen-2: "Possibly Damaging"; Align-GVGD: "Class C0"). This variant has not been reported in the literature in individuals affected with GATA4-related conditions. This variant is not present in population databases (gnomAD no frequency). This sequence change replaces histidine, which is basic and polar, with proline, which is neutral and non-polar, at codon 11 of the GATA4 protein (p.His11Pro).